The following is an entry in ClinVar:

NM_001025603.2(RFX5):c.858+4A>G

Gene: RFX5 (regulatory factor X5; minus strand). Cytogenetic location: 1q21.3.
Variant type: single nucleotide variant.
Coding change: c.858+4A>G on transcript NM_001025603.2 (MANE Select); 4 bases into the intron after coding-DNA position 858, A replaced by G.
Molecular consequence: intron variant.
Genome position (GRCh38, 1-based): chr1:151,343,338, T>C on the plus strand (A>G on the coding strand, the complement: RFX5 is on the minus strand). VCF-style: chr1-151343338-T-C. GRCh37 (hg19) VCF-style: chr1-151315814-T-C.
Other names: c.738+4A>G (NM_001379419.1, NM_001379420.1); c.858+4A>G (NM_000449.4, NM_001379413.1, NM_001379417.1 and 5 more transcripts).
Identifiers: ClinVar variation 1515869 (VCV001515869.6), dbSNP rs1650680698, ClinGen allele CA2479544681.

ClinVar aggregate classification (germline): Uncertain significance (1 of 4 stars; one submission).

Conditions:
MHC class II deficiency. Also called: Bare lymphocyte syndrome 2; BLS, TYPE II. Identifiers: Orphanet 572, MedGen C5447452, MONDO:0008855.

Allele frequency attached by ClinVar (database versions not stated): TOPMed below 0.00001.

Submission:

Labcorp Genetics (formerly Invitae), Labcorp
Classification: Uncertain significance for MHC class II deficiency. Last evaluated: 2020-11-20. Review status: criteria provided, single submitter. Criteria: Invitae Variant Classification Sherloc (09022015). Collection method: clinical testing. Allele origin: germline.
Comment: This sequence change falls in intron 10 of the RFX5 gene. It does not directly change the encoded amino acid sequence of the RFX5 protein. It affects a nucleotide within the consensus splice site of the intron. This variant is not present in population databases (ExAC no frequency). This variant has not been reported in the literature in individuals with RFX5-related conditions. Nucleotide substitutions within the consensus splice site are a relatively common cause of aberrant splicing (PMID: 17576681, 9536098). Algorithms developed to predict the effect of sequence changes on RNA splicing suggest that this variant is not likely to affect RNA splicing, but this prediction has not been confirmed by published transcriptional studies. In summary, the available evidence is currently insufficient to determine the role of this variant in disease. Therefore, it has been classified as a Variant of Uncertain Significance.

Literature cited by the submitters: PubMed 17576681; PubMed 9536098.